The following is an entry in ClinVar:

NM_003128.3(SPTBN1):c.3928C>T (p.His1310Tyr)

Gene: SPTBN1 (spectrin beta, non-erythrocytic 1; plus strand). Cytogenetic location: 2p16.2.
Variant type: single nucleotide variant.
Coding change: c.3928C>T on transcript NM_003128.3 (MANE Select); coding-DNA position 3928, C replaced by T.
Protein change: p.His1310Tyr; replaces histidine 1310 with tyrosine.
Molecular consequence: missense variant.
Genome position (GRCh38, 1-based): chr2:54,643,052, C>T. VCF-style: chr2-54643052-C-T. GRCh37 (hg19) VCF-style: chr2-54870189-C-T.
Other names: c.3889C>T, p.His1297Tyr (NM_178313.3); short protein forms H1297Y, H1310Y.
Identifiers: ClinVar variation 2444247 (VCV002444247.1), dbSNP rs2549551274, ClinGen allele CA346897043.

ClinVar aggregate classification (germline): Uncertain significance (1 of 4 stars; one submission).

Conditions:
Developmental delay, impaired speech, and behavioral abnormalities. Identifiers: MedGen C5561957, MONDO:0859178, OMIM 619475.

Submission:

3billion
Classification: Uncertain significance for Developmental delay, impaired speech, and behavioral abnormalities. Last evaluated: 2023-02-23. Review status: criteria provided, single submitter. Criteria: ACMG Guidelines, 2015. Collection method: clinical testing. Allele origin: unknown. Affected: yes.
Comment: The variant is not observed in the gnomAD v2.1.1 dataset. Missense changes are a common disease-causing mechanism. Therefore, this variant is classified as VUS according to the recommendation of ACMG/AMP guideline.